The following is an entry in ClinVar:

ClinVar aggregate classification (germline): Uncertain significance (1 of 4 stars; one submission).

Conditions:
Cowden syndrome 6 (CWS6). Identifiers: Orphanet 201, MedGen C3554519, MONDO:0014048, OMIM 615109.

Allele frequency attached by ClinVar (database versions not stated): gnomAD exomes below 0.00001; TOPMed below 0.00001; gnomAD 0.00001.

Submission:

Labcorp Genetics (formerly Invitae), Labcorp
Classification: Uncertain significance for Cowden syndrome 6. Last evaluated: 2022-07-12. Review status: criteria provided, single submitter. Criteria: Invitae Variant Classification Sherloc (09022015). Collection method: clinical testing. Allele origin: germline.
Comment: ClinVar contains an entry for this variant (Variation ID: 639439). Algorithms developed to predict the effect of missense changes on protein structure and function (SIFT, PolyPhen-2, Align-GVGD) all suggest that this variant is likely to be tolerated. In summary, the available evidence is currently insufficient to determine the role of this variant in disease. Therefore, it has been classified as a Variant of Uncertain Significance. This variant has not been reported in the literature in individuals affected with AKT1-related conditions. This sequence change replaces glycine, which is neutral and non-polar, with serine, which is neutral and polar, at codon 303 of the AKT1 protein (p.Gly303Ser). This variant is not present in population databases (gnomAD no frequency).

NM_001382430.1(AKT1):c.907G>A (p.Gly303Ser)

Gene: AKT1 (AKT serine/threonine kinase 1; minus strand). Cytogenetic location: 14q32.33.
Variant type: single nucleotide variant.
Coding change: c.907G>A on transcript NM_001382430.1 (MANE Select); coding-DNA position 907, G replaced by A.
Protein change: p.Gly303Ser; replaces glycine 303 with serine.
Molecular consequence: missense variant.
Genome position (GRCh38, 1-based): chr14:104,773,301, C>T on the plus strand (G>A on the coding strand, the complement: AKT1 is on the minus strand). VCF-style: chr14-104773301-C-T. GRCh37 (hg19) VCF-style: chr14-105239638-C-T.
Other names: c.907G>A, p.Gly303Ser (NM_001014431.2, NM_001014432.2, NM_001382431.1 and 3 more transcripts); short protein forms G303S.
Identifiers: ClinVar variation 639439 (VCV000639439.8), dbSNP rs1360111387, ClinGen allele CA391217718.
Genomic context (GRCh38, chr14:104,773,301, plus strand): 5'-GGGCGCACACCTCGGGGGCCAGGTACTCAGGTGTGCCGCAAAAGGTCTTCATGGTGGCAC[C>T]GTCCTTGATCCCCTCCTTGCACAGCCCGAAGTCTGTGATCTTAATGTGCCCGTCCTTGTC-3'
Protein context (NP_001369359.1, residues 293-313): FGLCKEGIKD[Gly303Ser]ATMKTFCGTP